The following is an entry in ClinVar:

ClinVar aggregate classification (germline): Uncertain significance (1 of 4 stars; one submission).

Conditions:
Primary ciliary dyskinesia 28. Also called: CILIARY DYSKINESIA, PRIMARY, 28, WITH OR WITHOUT SITUS INVERSUS. Identifiers: Orphanet 244, MedGen C3809706, MONDO:0014216, OMIM 615505.

Allele frequency attached by ClinVar (database versions not stated): gnomAD exomes 0.00001.
gnomAD v4.1: 8 of 1,605,362 alleles (0.0005%); highest among the groups gnomAD compares: Non-Finnish European, 0.000085%; no homozygotes.

Submission:

Labcorp Genetics (formerly Invitae), Labcorp
Classification: Uncertain significance for Primary ciliary dyskinesia 28. Last evaluated: 2020-02-27. Review status: criteria provided, single submitter. Criteria: Invitae Variant Classification Sherloc (09022015). Collection method: clinical testing. Allele origin: germline.
Comment: In summary, the available evidence is currently insufficient to determine the role of this variant in disease. Therefore, it has been classified as a Variant of Uncertain Significance. This variant is not present in population databases (ExAC no frequency). This sequence change replaces lysine with arginine at codon 751 of the SPAG1 protein (p.Lys751Arg). The lysine residue is moderately conserved and there is a small physicochemical difference between lysine and arginine. This variant has not been reported in the literature in individuals with SPAG1-related conditions. Algorithms developed to predict the effect of missense changes on protein structure and function output the following: SIFT: "Tolerated"; PolyPhen-2: "Possibly Damaging"; Align-GVGD: "Class C0". The arginine amino acid residue is found in multiple mammalian species, suggesting that this missense change does not adversely affect protein function. These predictions have not been confirmed by published functional studies and their clinical significance is uncertain.

NM_003114.5(SPAG1):c.2252A>G (p.Lys751Arg)

Gene: SPAG1 (sperm associated antigen 1; plus strand). Cytogenetic location: 8q22.2.
Variant type: single nucleotide variant.
Coding change: c.2252A>G on transcript NM_003114.5 (MANE Select); coding-DNA position 2252, A replaced by G.
Protein change: p.Lys751Arg; replaces lysine 751 with arginine.
Molecular consequence: missense variant.
Genome position (GRCh38, 1-based): chr8:100,239,376, A>G. VCF-style: chr8-100239376-A-G. GRCh37 (hg19) VCF-style: chr8-101251604-A-G.
Other names: c.2252A>G, p.Lys751Arg (NM_001374321.1, NM_172218.3); short protein forms K751R.
Identifiers: ClinVar variation 1059467 (VCV001059467.9), dbSNP rs1429800529, ClinGen allele CA371817253.